The following is an entry in ClinVar:

ClinVar aggregate classification (germline): Uncertain significance (1 of 4 stars; one submission).

gnomAD v4.1: 2 of 1,613,556 alleles (0.00012%); highest among the groups gnomAD compares: Admixed American, 0.0017%; no homozygotes.

Submission:

Ambry Genetics
Classification: Uncertain significance. Last evaluated: 2024-12-04. Review status: criteria provided, single submitter. Criteria: Ambry Variant Classification Scheme 2023. Collection method: clinical testing. Allele origin: germline.
Comment: The p.D684H variant (also known as c.2050G>C), located in coding exon 3 of the CDK12 gene, results from a G to C substitution at nucleotide position 2050. The aspartic acid at codon 684 is replaced by histidine, an amino acid with similar properties. This amino acid position is conserved. In addition, this alteration is predicted to be tolerated by in silico analysis. Based on the available evidence, the clinical significance of this variant remains unclear.

NM_016507.4(CDK12):c.2050G>C (p.Asp684His)

Gene: CDK12 (cyclin dependent kinase 12; plus strand). Cytogenetic location: 17q12.
Variant type: single nucleotide variant.
Coding change: c.2050G>C on transcript NM_016507.4 (MANE Select); coding-DNA position 2050, G replaced by C.
Protein change: p.Asp684His; replaces aspartic acid 684 with histidine.
Molecular consequence: missense variant.
Genome position (GRCh38, 1-based): chr17:39,490,675, G>C. VCF-style: chr17-39490675-G-C. GRCh37 (hg19) VCF-style: chr17-37646928-G-C.
Other names: c.2050G>C, p.Asp684His (NM_015083.4); short protein forms D684H.
Identifiers: ClinVar variation 3489357 (VCV003489357.1).
Genomic context (GRCh38, chr17:39,490,675, plus strand): 5'-CACTTACTCACAGACCTTCCTCTCCCTCCAGAGCTCCCTGGTGGAGATCTGTCTCCCCCA[G>C]ACTCTCCAGAACCAAAGGCAATCACACCACCTCAGCAACCATATAAAAAGAGACCAAAGT-3'
Protein context (NP_057591.2, residues 674-694): ELPGGDLSPP[Asp684His]SPEPKAITPP